The following is an entry in ClinVar:

NM_000088.4(COL1A1):c.1862_1865del (p.Pro621fs)

Gene: COL1A1 (collagen type I alpha 1 chain; minus strand). Cytogenetic location: 17q21.33.
Variant type: Deletion.
Coding change: c.1862_1865del on transcript NM_000088.4 (MANE Select); coding-DNA positions 1862 to 1865, 4 bases deleted (CCCC; older notation c.1862_1865delCCCC).
Protein change: p.Pro621fs; shifts the reading frame from proline 621.
Molecular consequence: frameshift variant.
Genome position (GRCh38, 1-based): chr17:50,192,807-50,192,810, GGGG deleted on the plus strand (CCCC on the coding strand, the reverse complement: COL1A1 is on the minus strand); deleting any 4 consecutive bases within chr17:50,192,807-50,192,811 gives the same sequence; the c. name uses the placement nearest the transcript's 3' end. VCF-style (leftmost placement, unchanged base first): chr17-50192806-AGGGG-A. GRCh37 (hg19) VCF-style: chr17-48270167-AGGGG-A.
Other names: c.1862_1865delCCCC (NM_000088.3); short protein forms P621fs.
Identifiers: ClinVar variation 456740 (VCV000456740.7), dbSNP rs72651620, ClinGen allele CA658656709.
Genomic context (GRCh38, chr17:50,192,806, plus strand): 5'-AGGGTGTCTCCCCTTTTCTGCTCCCCAGATCTCCCCATCAGGGACACTCACAGCAGGGCC[AGGGG>A]GTCCCTGAGCTCCAGCCTCTCCATCTTTGCCAGCAGGACCCTGCAGGGAGAGAGCAAAGG-3'

ClinVar aggregate classification (germline): Pathogenic. Review status: criteria provided, single submitter (1 of 4 stars). 2 submissions from 2 submitters: Pathogenic (1). 1 of the submissions does not count toward it. Last evaluated 2023-04-19.

Conditions:
Osteogenesis imperfecta type I (OI1). Also called: OI, TYPE I; OSTEOGENESIS IMPERFECTA TARDA; OSTEOGENESIS IMPERFECTA WITH BLUE SCLERAE; Osteogenesis imperfecta type 1; Lobstein's Disease; Lobstein disease. Identifiers: Orphanet 216796, Orphanet 666, MedGen C0023931, MONDO:0008146, OMIM 166200. Disease mechanism: loss of function.
Osteogenesis imperfecta (OI). Identifiers: Orphanet 666, MedGen C0029434, MeSH D010013, MONDO:0019019.

Submissions (2):

Labcorp Genetics (formerly Invitae), Labcorp
Classification: Pathogenic for Osteogenesis imperfecta type I. Last evaluated: 2023-04-19. Review status: criteria provided, single submitter. Criteria: Invitae Variant Classification Sherloc (09022015). Collection method: clinical testing. Allele origin: germline.
Comment: For these reasons, this variant has been classified as Pathogenic. ClinVar contains an entry for this variant (Variation ID: 456740). This variant has not been reported in the literature in individuals affected with COL1A1-related conditions. This variant is not present in population databases (gnomAD no frequency). This sequence change creates a premature translational stop signal (p.Pro621Leufs*144) in the COL1A1 gene. It is expected to result in an absent or disrupted protein product. Loss-of-function variants in COL1A1 are known to be pathogenic (PMID: 7942841, 9295084, 9443882).

Baylor Genetics
Classification: Likely pathogenic for osteogenesis imperfecta. Last evaluated: 2018-11-18. Review status: no assertion criteria provided. Collection method: clinical testing. Allele origin: germline. Affected: yes. Not counted in ClinVar's aggregate classification.

Literature cited by the submitters: PubMed 7942841 (cited by Labcorp Genetics (formerly Invitae), Labcorp); PubMed 9295084 (cited by Labcorp Genetics (formerly Invitae), Labcorp); PubMed 9443882 (cited by Labcorp Genetics (formerly Invitae), Labcorp).